The following is an entry in ClinVar:

NM_003105.6(SORL1):c.638G>A (p.Ser213Asn)

Gene: SORL1 (sortilin related receptor 1; plus strand). Cytogenetic location: 11q24.1.
Variant type: single nucleotide variant.
Coding change: c.638G>A on transcript NM_003105.6 (MANE Select); coding-DNA position 638, G replaced by A.
Protein change: p.Ser213Asn; replaces serine 213 with asparagine.
Molecular consequence: missense variant.
Genome position (GRCh38, 1-based): chr11:121,488,141, G>A. VCF-style: chr11-121488141-G-A. GRCh37 (hg19) VCF-style: chr11-121358850-G-A.
Other names: short protein forms S213N.
Identifiers: ClinVar variation 788604 (VCV000788604.10), dbSNP rs763952078, ClinGen allele CA6328421.

ClinVar aggregate classification (germline): Conflicting classifications of pathogenicity. Review status: criteria provided, conflicting classifications (1 of 4 stars). 3 submissions from 3 submitters: Uncertain significance (1); Likely benign (2). Last evaluated 2026-01-11.

Conditions:
SORL1-related disorder. Also called: SORL1-related condition.

Allele frequency attached by ClinVar (database versions not stated): gnomAD 0.00006; TOPMed 0.00021; ExAC 0.00031; gnomAD exomes 0.00044.
gnomAD v4.1: 138 of 1,614,062 alleles (0.0085%); highest among the groups gnomAD compares: Admixed American, 0.22%; no homozygotes.

Submissions (3):

Labcorp Genetics (formerly Invitae), Labcorp
Classification: Likely benign. Last evaluated: 2026-01-11. Review status: criteria provided, single submitter. Criteria: Invitae Variant Classification Sherloc (09022015). Collection method: clinical testing. Allele origin: germline.

PreventionGenetics, part of Exact Sciences
Classification: Likely benign for SORL1-related condition. Last evaluated: 2024-12-03. Review status: criteria provided, single submitter. Criteria: ACMG Guidelines, 2015. Collection method: clinical testing. Allele origin: germline.
Comment: This variant is classified as likely benign based on ACMG/AMP sequence variant interpretation guidelines (Richards et al. 2015 PMID: 25741868, with internal and published modifications).

Ambry Genetics
Classification: Uncertain significance. Last evaluated: 2022-05-11. Review status: criteria provided, single submitter. Criteria: Ambry Variant Classification Scheme 2023. Collection method: clinical testing. Allele origin: germline.